The following is an entry in ClinVar:

ClinVar aggregate classification (germline): Pathogenic (1 of 4 stars; one submission).

Conditions:
Fanconi anemia (FA). Also called: Fanconi's anemia. Identifiers: Orphanet 84, MedGen C0015625, MeSH D005199, MONDO:0019391.

Submission:

Labcorp Genetics (formerly Invitae), Labcorp
Classification: Pathogenic for Fanconi anemia. Last evaluated: 2025-02-25. Review status: criteria provided, single submitter. Criteria: Invitae Variant Classification Sherloc (09022015). Collection method: clinical testing. Allele origin: germline.
Comment: This sequence change creates a premature translational stop signal (p.Ala656Cysfs*16) in the FANCA gene. It is expected to result in an absent or disrupted protein product. Loss-of-function variants in FANCA are known to be pathogenic (PMID: 19367192). This variant is not present in population databases (gnomAD no frequency). This variant has not been reported in the literature in individuals affected with FANCA-related conditions. For these reasons, this variant has been classified as Pathogenic.

Literature cited by the submitters: PubMed 19367192.

NM_000135.4(FANCA):c.1965dup (p.Ala656fs)

Gene: FANCA (FA complementation group A; minus strand). Cytogenetic location: 16q24.3.
Variant type: Duplication.
Coding change: c.1965dup on transcript NM_000135.4 (MANE Select); coding-DNA position 1965, one base duplicated (T; older notation c.1965dupT).
Protein change: p.Ala656fs; shifts the reading frame from alanine 656.
Molecular consequence: frameshift variant.
Genome position (GRCh38, 1-based): chr16:89,773,320, A duplicated on the plus strand (T on the coding strand, the reverse complement: FANCA is on the minus strand). VCF-style (leftmost placement, unchanged base first): chr16-89773319-C-CA. GRCh37 (hg19) VCF-style: chr16-89839727-C-CA.
Other names: c.1965dup, p.Ala656fs (NM_001286167.3); short protein forms A656fs.
Identifiers: ClinVar variation 4764566 (VCV004764566.1).